The following is an entry in ClinVar:

ClinVar aggregate classification (germline): Pathogenic. Review status: criteria provided, multiple submitters, no conflicts (2 of 4 stars). 4 submissions from 4 submitters: Pathogenic (2). 2 of the submissions do not count toward it. Last evaluated 2025-10-20.

Conditions:
COG5-related disorder. Also called: COG5-related condition.
COG5-congenital disorder of glycosylation. Also called: CDG IIi; CONGENITAL DISORDER OF GLYCOSYLATION, TYPE IIi; COG5-CDG. Identifiers: Orphanet 263487, MedGen C3150876, MONDO:0013325, OMIM 613612.

Submissions (4):

Labcorp Genetics (formerly Invitae), Labcorp
Classification: Pathogenic for COG5-congenital disorder of glycosylation. Last evaluated: 2025-10-20. Review status: criteria provided, single submitter. Criteria: Invitae Variant Classification Sherloc (09022015). Collection method: clinical testing. Allele origin: germline.
Comment: This sequence change creates a premature translational stop signal (p.Cys64Valfs*6) in the COG5 gene. It is expected to result in an absent or disrupted protein product. Loss-of-function variants in COG5 are known to be pathogenic (PMID: 23228021). This variant is not present in population databases (gnomAD no frequency). This premature translational stop signal has been observed in individual(s) with COG5-congenital disorder of glycosylation (PMID: 23228021). ClinVar contains an entry for this variant (Variation ID: 523949). For these reasons, this variant has been classified as Pathogenic.

GeneDx
Classification: Pathogenic. Last evaluated: 2019-03-28. Review status: criteria provided, single submitter. Criteria: GeneDx Variant Classification Process June 2021. Collection method: clinical testing. Allele origin: germline. Affected: yes.
Comment: Frameshift variant predicted to result in protein truncation or nonsense mediated decay in a gene for which loss-of-function is a known mechanism of disease; Not observed in large population cohorts (Lek et al., 2016); This variant is associated with the following publications: (PMID: 23228021)

PreventionGenetics, part of Exact Sciences
Classification: Likely pathogenic for COG5-related condition. Last evaluated: 2024-01-11. Review status: no assertion criteria provided. Collection method: clinical testing. Allele origin: germline. Not counted in ClinVar's aggregate classification.
Comment: The COG5 c.189delG variant is predicted to result in a frameshift and premature protein termination (p.Cys64Valfs*6). This variant has been reported in the compound heterozygous state in a patient with a congenital disorder of glycosylation (Patient 3, Rymen et al. 2012. PubMed ID: 2322802). To our knowledge, this variant has not been reported in the in a large population database, indicating this variant is rare. Frameshift variants in COG5 are expected to be pathogenic. This variant is interpreted as likely pathogenic.

OMIM
Classification: Pathogenic for CONGENITAL DISORDER OF GLYCOSYLATION, TYPE IIi. Last evaluated: 2020-07-09. Review status: no assertion criteria provided. Collection method: literature only. Allele origin: germline. Not counted in ClinVar's aggregate classification.

Literature cited by the submitters: PubMed 23228021 (cited by Labcorp Genetics (formerly Invitae), Labcorp and OMIM).

NM_006348.5(COG5):c.96del (p.Cys33Valfs)

Gene: COG5 (component of oligomeric golgi complex 5; minus strand). Cytogenetic location: 7q22.3.
Variant type: Deletion.
Coding change: c.96del on transcript NM_006348.5 (MANE Select); coding-DNA position 96, one base deleted (G; older notation c.96delG).
Protein change: p.Cys33Valfs; shifts the reading frame from cysteine 33.
Molecular consequence: splice acceptor variant.
Genome position (GRCh38, 1-based): chr7:107,558,114, C deleted on the plus strand (G on the coding strand, the reverse complement: COG5 is on the minus strand); the first of 3 consecutive C bases (chr7:107,558,114-107,558,116); deleting any one gives the same sequence. VCF-style (leftmost placement, unchanged base first): chr7-107558113-AC-A. GRCh37 (hg19) VCF-style: chr7-107198558-AC-A.
Other names: c.189del (NM_006348.3).
Identifiers: ClinVar variation 523949 (VCV000523949.15), dbSNP rs1554464495, ClinGen allele CA658796990.